The following is an entry in ClinVar:

NM_000081.4(LYST):c.71T>G (p.Val24Gly)

Gene: LYST (lysosomal trafficking regulator; minus strand). Cytogenetic location: 1q42.3.
Variant type: single nucleotide variant.
Coding change: c.71T>G on transcript NM_000081.4 (MANE Select); coding-DNA position 71, T replaced by G.
Protein change: p.Val24Gly; replaces valine 24 with glycine.
Molecular consequence: missense variant. On other transcripts: non-coding transcript variant (1).
Genome position (GRCh38, 1-based): chr1:235,830,347, A>C on the plus strand (T>G on the coding strand, the complement: LYST is on the minus strand). VCF-style: chr1-235830347-A-C. GRCh37 (hg19) VCF-style: chr1-235993647-A-C.
Other names: c.71T>G, p.Val24Gly (NM_001301365.1); short protein forms V24G.
Identifiers: ClinVar variation 1440214 (VCV001440214.5), dbSNP rs151236654, ClinGen allele CA344969258.

ClinVar aggregate classification (germline): Uncertain significance (1 of 4 stars; one submission).

Conditions:
Chédiak-Higashi syndrome (CHS). Also called: Chediak-Higashi Syndrome. Identifiers: Orphanet 167, MedGen C0007965, MONDO:0008963, OMIM 214500.

gnomAD v4.1: 7 of 1,613,858 alleles (0.00043%); highest among the groups gnomAD compares: Non-Finnish European, 0.00059%; no homozygotes.

Submission:

Labcorp Genetics (formerly Invitae), Labcorp
Classification: Uncertain significance for Chédiak-Higashi syndrome. Last evaluated: 2021-08-14. Review status: criteria provided, single submitter. Criteria: Invitae Variant Classification Sherloc (09022015). Collection method: clinical testing. Allele origin: germline.
Comment: This sequence change replaces valine with glycine at codon 24 of the LYST protein (p.Val24Gly). The valine residue is moderately conserved and there is a moderate physicochemical difference between valine and glycine. This variant is not present in population databases (ExAC no frequency). This variant has not been reported in the literature in individuals affected with LYST-related conditions. Algorithms developed to predict the effect of missense changes on protein structure and function (SIFT, PolyPhen-2, Align-GVGD) all suggest that this variant is likely to be tolerated. In summary, the available evidence is currently insufficient to determine the role of this variant in disease. Therefore, it has been classified as a Variant of Uncertain Significance.